The following is an entry in ClinVar:

NM_177531.6(PKHD1L1):c.12491dup (p.Asn4164fs)

Gene: PKHD1L1 (PKHD1 like 1; plus strand). Cytogenetic location: 8q23.2.
Variant type: Duplication.
Coding change: c.12491dup on transcript NM_177531.6 (MANE Select); coding-DNA position 12491, one base duplicated (A; older notation c.12491dupA).
Protein change: p.Asn4164fs; shifts the reading frame from asparagine 4164.
Molecular consequence: frameshift variant.
Genome position (GRCh38, 1-based): chr8:109,526,790, A duplicated; the last of 6 consecutive A bases (chr8:109,526,785-109,526,790); duplicating any one gives the same sequence. VCF-style (leftmost placement, unchanged base first): chr8-109526784-G-GA. GRCh37 (hg19) VCF-style: chr8-110539013-G-GA.
Other names: short protein forms N4164fs.
Identifiers: ClinVar variation 4984195 (VCV004984195.1).
Genomic context (GRCh38, chr8:109,526,784, plus strand): 5'-CGGTATGAAAACAAGTAAAACATAAAGGAAATCAAACACTATGATGCTTTTTTTTTCCAG[G>GA]AAAAAATTATAAGATTGAATTTATACTGGATAATGTTGTTGGGGTAGAATCCAGAACTTT-3'

ClinVar aggregate classification (germline): Uncertain significance (1 of 4 stars; one submission).

Conditions:
PKHD1L1-related disorder. Also called: PKHD1L1-related condition.

Submission:

PreventionGenetics, part of Exact Sciences
Classification: Uncertain significance for PKHD1L1-related condition. Last evaluated: 2026-06-02. Review status: criteria provided, single submitter. Criteria: ACMG Guidelines, 2015. Collection method: clinical testing. Allele origin: germline.
Comment: The PKHD1L1 c.12491dupA variant is predicted to result in a frameshift and premature protein termination (p.Asn4164Lysfs*3). To our knowledge, this variant has not been reported in the literature. This variant is reported in 0.025% of alleles in individuals of South Asian descent in gnomAD, including one homozygote in the more recent gnomAD v4.1.1 database. At this time, the clinical significance of this variant is uncertain due to the absence of conclusive functional and genetic evidence.